The following is an entry in ClinVar:

ClinVar aggregate classification (germline): Likely benign. Review status: criteria provided, multiple submitters, no conflicts (2 of 4 stars). 2 submissions from 2 submitters: Likely benign (2). Last evaluated 2025-04-01.

Allele frequency attached by ClinVar (database versions not stated): ExAC 0.00049; TOPMed 0.00051; gnomAD 0.00067; gnomAD exomes 0.00067.
gnomAD v4.1: 1,035 of 1,535,464 alleles (0.067%); highest among the groups gnomAD compares: Non-Finnish European, 0.065%; 1 homozygote.

Submissions (2):

CeGaT Center for Human Genetics Tuebingen
Classification: Likely benign. Last evaluated: 2025-04-01. Review status: criteria provided, single submitter. Criteria: CeGaT Center For Human Genetics Tuebingen Variant Classification Criteria Version 2. Collection method: clinical testing. Allele origin: germline. Affected: yes. Observed: 2 variant alleles.
Comment: DPP6: BP4, BP7

Blueprint Genetics
Classification: Likely benign. Last evaluated: 2024-11-21. Review status: criteria provided, single submitter. Criteria: ACMG Guidelines, 2015. Collection method: clinical testing. Allele origin: germline.

NM_130797.4(DPP6):c.27T>C (p.Thr9=)

Gene: DPP6 (dipeptidyl peptidase like 6; plus strand). Cytogenetic location: 7q36.2.
Variant type: single nucleotide variant.
Coding change: c.27T>C on transcript NM_130797.4 (MANE Select); coding-DNA position 27, T replaced by C.
Protein change: p.Thr9=; no amino-acid change (threonine 9 retained).
Molecular consequence: synonymous variant. On other transcripts: intron variant (6).
Genome position (GRCh38, 1-based): chr7:154,052,847, T>C. VCF-style: chr7-154052847-T-C. GRCh37 (hg19) VCF-style: chr7-153749932-T-C.
Other names: c.27T>C, p.Thr9= (NM_001290253.2); c.60+303839T>C (NM_001364500.2, NM_001364499.2, NM_001364497.2 and 1 more transcripts); c.51+165113T>C (NM_001364501.2, NM_001039350.3).
Identifiers: ClinVar variation 2658246 (VCV002658246.25), dbSNP rs188616346, ClinGen allele CA4582955.